The following is an entry in ClinVar:

NM_001184.4(ATR):c.2191C>T (p.Pro731Ser)

Gene: ATR (ATR serine/threonine kinase; minus strand). Cytogenetic location: 3q23.
Variant type: single nucleotide variant.
Coding change: c.2191C>T on transcript NM_001184.4 (MANE Select); coding-DNA position 2191, C replaced by T.
Protein change: p.Pro731Ser; replaces proline 731 with serine.
Molecular consequence: missense variant.
Genome position (GRCh38, 1-based): chr3:142,556,027, G>A on the plus strand (C>T on the coding strand, the complement: ATR is on the minus strand). VCF-style: chr3-142556027-G-A. GRCh37 (hg19) VCF-style: chr3-142274869-G-A.
Other names: c.1999C>T, p.Pro667Ser (NM_001354579.2); short protein forms P731S, P667S.
Identifiers: ClinVar variation 858885 (VCV000858885.6), dbSNP rs765704773, ClinGen allele CA2650409.

ClinVar aggregate classification (germline): Uncertain significance. Review status: criteria provided, multiple submitters, no conflicts (2 of 4 stars). 2 submissions from 2 submitters: Uncertain significance (2). Last evaluated 2022-12-21.

Conditions:
Inborn genetic diseases. Identifiers: MedGen C0950123, MeSH D030342.

Allele frequency attached by ClinVar (database versions not stated): ExAC 0.00001; gnomAD 0.00002; TOPMed 0.00004.
gnomAD v4.1: 43 of 1,613,906 alleles (0.0027%); highest among the groups gnomAD compares: Non-Finnish European, 0.0031%; no homozygotes.

Submissions (2):

Ambry Genetics
Classification: Uncertain significance for Inborn genetic diseases. Last evaluated: 2022-12-21. Review status: criteria provided, single submitter. Criteria: Ambry Variant Classification Scheme 2023. Collection method: clinical testing. Allele origin: germline.

Labcorp Genetics (formerly Invitae), Labcorp
Classification: Uncertain significance. Last evaluated: 2021-10-23. Review status: criteria provided, single submitter. Criteria: Invitae Variant Classification Sherloc (09022015). Collection method: clinical testing. Allele origin: germline.
Comment: In summary, the available evidence is currently insufficient to determine the role of this variant in disease. Therefore, it has been classified as a Variant of Uncertain Significance. Algorithms developed to predict the effect of missense changes on protein structure and function (SIFT, PolyPhen-2, Align-GVGD) all suggest that this variant is likely to be tolerated. This variant has not been reported in the literature in individuals affected with ATR-related conditions. This variant is present in population databases (rs765704773, ExAC 0.001%). This sequence change replaces proline with serine at codon 731 of the ATR protein (p.Pro731Ser). The proline residue is moderately conserved and there is a moderate physicochemical difference between proline and serine.